The following is an entry in ClinVar:

ClinVar aggregate classification (germline): Uncertain significance (1 of 4 stars; one submission).

Conditions:
Primary ciliary dyskinesia. Also called: Ciliary dyskinesia. Identifiers: Orphanet 244, MedGen C0008780, MONDO:0016575, HP:0012265.

Submission:

Labcorp Genetics (formerly Invitae), Labcorp
Classification: Uncertain significance for Primary ciliary dyskinesia. Last evaluated: 2021-01-13. Review status: criteria provided, single submitter. Criteria: Invitae Variant Classification Sherloc (09022015). Collection method: clinical testing. Allele origin: germline.
Comment: This variant is not present in population databases (ExAC no frequency). This sequence change replaces phenylalanine with leucine at codon 1109 of the DNAH11 protein (p.Phe1109Leu). The phenylalanine residue is moderately conserved and there is a small physicochemical difference between phenylalanine and leucine. This variant has not been reported in the literature in individuals with DNAH11-related conditions. In summary, the available evidence is currently insufficient to determine the role of this variant in disease. Therefore, it has been classified as a Variant of Uncertain Significance. Advanced modeling of protein sequence and biophysical properties (such as structural, functional, and spatial information, amino acid conservation, physicochemical variation, residue mobility, and thermodynamic stability) performed at Invitae indicates that this missense variant is not expected to disrupt DNAH11 protein function.

NM_001277115.2(DNAH11):c.3325T>C (p.Phe1109Leu)

Genes: DNAH11 (dynein axonemal heavy chain 11; plus strand), LOC126859961 (BRD4-independent group 4 enhancer GRCh37_chr7:21639662-21640861; plus strand). Cytogenetic location: 7p15.3.
Variant type: single nucleotide variant.
Coding change: c.3325T>C on transcript NM_001277115.2 (MANE Select); coding-DNA position 3325, T replaced by C.
Protein change: p.Phe1109Leu; replaces phenylalanine 1109 with leucine.
Molecular consequence: missense variant.
Genome position (GRCh38, 1-based): chr7:21,601,079, T>C. VCF-style: chr7-21601079-T-C. GRCh37 (hg19) VCF-style: chr7-21640697-T-C.
Other names: short protein forms F1109L.
Identifiers: ClinVar variation 1516306 (VCV001516306.8), dbSNP rs2128447080, ClinGen allele CA366946163.
Genomic context (GRCh38, chr7:21,601,079, plus strand): 5'-TATGAAGCTTTGTATGTTCAAATGAGCAAATTTGAGGACTTTAGAGTGTTTGATAGTTGG[T>C]TCAAGGTGGACATGAAGCCTTTCAAAGTGAGCTTGTTAACCATAATTAAGAAATGGAGCT-3'
Protein context (NP_001264044.1, residues 1099-1119): FEDFRVFDSW[Phe1109Leu]KVDMKPFKVS